The following is an entry in ClinVar:

ClinVar aggregate classification (germline): Likely pathogenic (1 of 4 stars; one submission).

Conditions:
Brody myopathy. Also called: BRODY DISEASE. Identifiers: Orphanet 53347, MedGen C1832918, MONDO:0010977, OMIM 601003.

gnomAD v4.1: 1 of 1,613,972 alleles (0.000062%); no homozygotes.

Submission:

Labcorp Genetics (formerly Invitae), Labcorp
Classification: Likely pathogenic for Brody myopathy. Last evaluated: 2023-07-25. Review status: criteria provided, single submitter. Criteria: Invitae Variant Classification Sherloc (09022015). Collection method: clinical testing. Allele origin: germline.
Comment: In summary, the currently available evidence indicates that the variant is pathogenic, but additional data are needed to prove that conclusively. Therefore, this variant has been classified as Likely Pathogenic. Algorithms developed to predict the effect of sequence changes on RNA splicing suggest that this variant may disrupt the consensus splice site. This variant has not been reported in the literature in individuals affected with ATP2A1-related conditions. This variant is not present in population databases (gnomAD no frequency). This sequence change affects an acceptor splice site in intron 17 of the ATP2A1 gene. It is expected to disrupt RNA splicing. Variants that disrupt the donor or acceptor splice site typically lead to a loss of protein function (PMID: 16199547), and loss-of-function variants in ATP2A1 are known to be pathogenic (PMID: 8841193, 10914677, 23911890).

Literature cited by the submitters: PubMed 16199547; PubMed 8841193; PubMed 10914677; PubMed 23911890.

NM_004320.6(ATP2A1):c.2525-1G>A

Gene: ATP2A1 (ATPase sarcoplasmic/endoplasmic reticulum Ca2+ transporting 1; plus strand). Cytogenetic location: 16p11.2.
Variant type: single nucleotide variant.
Coding change: c.2525-1G>A on transcript NM_004320.6 (MANE Select); the canonical splice acceptor site of the intron before coding-DNA position 2525, G replaced by A.
Molecular consequence: splice acceptor variant.
Genome position (GRCh38, 1-based): chr16:28,902,579, G>A. VCF-style: chr16-28902579-G-A. GRCh37 (hg19) VCF-style: chr16-28913900-G-A.
Other names: c.2525-1G>A (NM_173201.5); c.2150-1G>A (NM_001286075.2).
Identifiers: ClinVar variation 2835707 (VCV002835707.3), dbSNP rs2506359056, ClinGen allele CA395414597.